The following is an entry in ClinVar:

ClinVar aggregate classification (germline): Uncertain significance (1 of 4 stars; one submission).

Conditions:
Multiple congenital anomalies-hypotonia-seizures syndrome 3 (MCAHS3). Also called: GLYCOSYLPHOSPHATIDYLINOSITOL BIOSYNTHESIS DEFECT 7. Identifiers: Orphanet 369837, MedGen C3809356, MONDO:0014165, OMIM 615398.

Allele frequency attached by ClinVar (database versions not stated): TOPMed below 0.00001; gnomAD 0.00001.
gnomAD v4.1: 1 of 1,611,636 alleles (0.000062%); highest among the groups gnomAD compares: Admixed American, 0.0017%; no homozygotes.

Submission:

Labcorp Genetics (formerly Invitae), Labcorp
Classification: Uncertain significance for Multiple congenital anomalies-hypotonia-seizures syndrome 3. Last evaluated: 2022-03-09. Review status: criteria provided, single submitter. Criteria: Invitae Variant Classification Sherloc (09022015). Collection method: clinical testing. Allele origin: germline.
Comment: In summary, the available evidence is currently insufficient to determine the role of this variant in disease. Therefore, it has been classified as a Variant of Uncertain Significance. Algorithms developed to predict the effect of sequence changes on RNA splicing suggest that this variant may create or strengthen a splice site. This variant has not been reported in the literature in individuals affected with PIGT-related conditions. This variant is not present in population databases (gnomAD no frequency). This sequence change falls in intron 3 of the PIGT gene. It does not directly change the encoded amino acid sequence of the PIGT protein.

NM_015937.6(PIGT):c.494-10T>G

Gene: PIGT (phosphatidylinositol glycan anchor biosynthesis class T; plus strand). Cytogenetic location: 20q13.12.
Variant type: single nucleotide variant.
Coding change: c.494-10T>G on transcript NM_015937.6 (MANE Select); 10 bases into the intron before coding-DNA position 494, T replaced by G.
Molecular consequence: intron variant.
Genome position (GRCh38, 1-based): chr20:45,419,285, T>G. VCF-style: chr20-45419285-T-G. GRCh37 (hg19) VCF-style: chr20-44047925-T-G.
Other names: c.494-10T>G (NM_001184729.3); c.326-10T>G (NM_001184728.3); c.188-10T>G (NM_001184730.3).
Identifiers: ClinVar variation 2082703 (VCV002082703.4), dbSNP rs1990189082, ClinGen allele CA1017894055.